The following is an entry in ClinVar:

ClinVar aggregate classification (germline): Likely benign. Review status: criteria provided, single submitter (1 of 4 stars). 2 submissions from 2 submitters: Likely benign (1). 1 of the submissions does not count toward it. Last evaluated 2025-05-01.

Conditions:
KCNQ1-related disorder. Also called: KCNQ1-related disorders; KCNQ1-related condition. Identifiers: MedGen CN239322.

Allele frequency attached by ClinVar (database versions not stated): gnomAD 0.00143; TOPMed 0.00175; 1000 Genomes Project 0.00260; 1000 Genomes Project 30x 0.00312.
gnomAD v4.1: 300 of 398,340 alleles (0.075%); highest among the groups gnomAD compares: African/African-American, 0.44%; 1 homozygote.

Submissions (2):

CeGaT Center for Human Genetics Tuebingen
Classification: Likely benign. Last evaluated: 2025-05-01. Review status: criteria provided, single submitter. Criteria: CeGaT Center For Human Genetics Tuebingen Variant Classification Criteria Version 2. Collection method: clinical testing. Allele origin: germline. Affected: yes. Observed: 1 variant allele.
Comment: KCNQ1OT1: BS1

PreventionGenetics, part of Exact Sciences
Classification: Likely benign for KCNQ1-related condition. Last evaluated: 2021-09-03. Review status: no assertion criteria provided. Collection method: clinical testing. Allele origin: germline. Not counted in ClinVar's aggregate classification.
Comment: This variant is classified as likely benign based on ACMG/AMP sequence variant interpretation guidelines (Richards et al. 2015 PMID: 25741868, with internal and published modifications).

NM_000218.3(KCNQ1):c.1393+21582A>G

Genes: KCNQ1 (potassium voltage-gated channel subfamily Q member 1; plus strand), KCNQ1OT1 (KCNQ1 opposite strand/antisense transcript 1; minus strand). Cytogenetic location: 11p15.5.
Variant type: single nucleotide variant.
Coding change: c.1393+21582A>G on transcript NM_000218.3 (MANE Select); 21582 bases into the intron after coding-DNA position 1393, A replaced by G.
Molecular consequence: intron variant. On other transcripts: non-coding transcript variant (1).
Genome position (GRCh38, 1-based): chr11:2,610,436, A>G. VCF-style: chr11-2610436-A-G. GRCh37 (hg19) VCF-style: chr11-2631666-A-G.
Other names: c.1123+21582A>G (NM_001406837.1); c.1297+21582A>G (NM_001406836.1); c.853+21582A>G (NM_001406838.1); c.1012+21582A>G (NM_181798.2).
Identifiers: ClinVar variation 3040837 (VCV003040837.12), dbSNP rs183244017, ClinGen allele CA216356237.